The following is an entry in ClinVar:

ClinVar aggregate classification (germline): Uncertain significance (1 of 4 stars; one submission).

Conditions:
Hereditary cancer-predisposing syndrome. Also called: Tumor predisposition; Neoplastic Syndromes, Hereditary; Hereditary Cancer Syndrome; Hereditary neoplastic syndrome. Identifiers: Orphanet 140162, MedGen C0027672, MeSH D009386, MONDO:0015356.

Submission:

Ambry Genetics
Classification: Uncertain significance for Hereditary cancer-predisposing syndrome. Last evaluated: 2025-01-06. Review status: criteria provided, single submitter. Criteria: Ambry Variant Classification Scheme 2023. Collection method: clinical testing. Allele origin: germline.
Comment: The p.M519K variant (also known as c.1556T>A), located in coding exon 14 of the NF2 gene, results from a T to A substitution at nucleotide position 1556. The methionine at codon 519 is replaced by lysine, an amino acid with similar properties. This amino acid position is conserved. In addition, this alteration is predicted to be deleterious by in silico analysis. Based on the available evidence, the clinical significance of this variant remains unclear.

NM_000268.4(NF2):c.1556T>A (p.Met519Lys)

Gene: NF2 (NF2, moesin-ezrin-radixin like (MERLIN) tumor suppressor; plus strand). Cytogenetic location: 22q12.2.
Variant type: single nucleotide variant.
Coding change: c.1556T>A on transcript NM_000268.4 (MANE Select); coding-DNA position 1556, T replaced by A.
Protein change: p.Met519Lys; replaces methionine 519 with lysine.
Molecular consequence: missense variant. On other transcripts: non-coding transcript variant (1), intron variant (1).
Genome position (GRCh38, 1-based): chr22:29,678,305, T>A. VCF-style: chr22-29678305-T-A. GRCh37 (hg19) VCF-style: chr22-30074294-T-A.
Other names: c.1442T>A, p.Met481Lys (NM_001407053.1, NM_001407056.1); c.1433T>A, p.Met478Lys (NM_001407054.1, NM_001407058.1, NM_181829.3); c.1430T>A, p.Met477Lys (NM_001407055.1, NM_181828.3); c.1421T>A, p.Met474Lys (NM_001407057.1, NM_001407059.1); c.1556T>A, p.Met519Lys (NM_001407060.1, NM_001407066.1, NM_016418.5 and 2 more transcripts); c.1298T>A, p.Met433Lys (NM_001407062.1); c.1307T>A, p.Met436Lys (NM_001407063.1, NM_001407064.1, NM_181830.3 and 1 more transcripts); c.1022T>A, p.Met341Lys (NM_001407065.1); and 2 more; short protein forms M341K, M474K, M481K, M519K, M433K, M477K, M442K, M436K.
Identifiers: ClinVar variation 3879170 (VCV003879170.1).